The following is an entry in ClinVar:

ClinVar aggregate classification (germline): Uncertain significance (1 of 4 stars; one submission).

gnomAD v4.1: 1 of 1,613,774 alleles (0.000062%); highest among the groups gnomAD compares: Non-Finnish European, 0.000085%; no homozygotes.

Submission:

Ambry Genetics
Classification: Uncertain significance. Last evaluated: 2024-10-18. Review status: criteria provided, single submitter. Criteria: Ambry Variant Classification Scheme 2023. Collection method: clinical testing. Allele origin: germline.
Comment: The p.S480N variant (also known as c.1439G>A), located in coding exon 13 of the PRKDC gene, results from a G to A substitution at nucleotide position 1439. The serine at codon 480 is replaced by asparagine, an amino acid with highly similar properties. This amino acid position is conserved. In addition, this alteration is predicted to be tolerated by in silico analysis. Based on the available evidence, the clinical significance of this variant remains unclear.

NM_006904.7(PRKDC):c.1439G>A (p.Ser480Asn)

Gene: PRKDC (protein kinase, DNA-activated, catalytic subunit; minus strand). Cytogenetic location: 8q11.21.
Variant type: single nucleotide variant.
Coding change: c.1439G>A on transcript NM_006904.7 (MANE Select); coding-DNA position 1439, G replaced by A.
Protein change: p.Ser480Asn; replaces serine 480 with asparagine.
Molecular consequence: missense variant.
Genome position (GRCh38, 1-based): chr8:47,935,740, C>T on the plus strand (G>A on the coding strand, the complement: PRKDC is on the minus strand). VCF-style: chr8-47935740-C-T. GRCh37 (hg19) VCF-style: chr8-48848300-C-T.
Other names: c.1439G>A, p.Ser480Asn (NM_001081640.2); short protein forms S480N.
Identifiers: ClinVar variation 3425361 (VCV003425361.1).